The following is an entry in ClinVar:

NM_000051.4(ATM):c.498A>C (p.Glu166Asp)

Gene: ATM (ATM serine/threonine kinase; plus strand). Cytogenetic location: 11q22.3.
Variant type: single nucleotide variant.
Coding change: c.498A>C on transcript NM_000051.4 (MANE Select); coding-DNA position 498, A replaced by C.
Protein change: p.Glu166Asp; replaces glutamic acid 166 with aspartic acid.
Molecular consequence: missense variant.
Genome position (GRCh38, 1-based): chr11:108,243,954, A>C. VCF-style: chr11-108243954-A-C. GRCh37 (hg19) VCF-style: chr11-108114681-A-C.
Other names: p.E166D:GAA>GAC; c.498A>C, p.Glu166Asp (NM_001351834.2); short protein forms E166D.
Identifiers: ClinVar variation 127396 (VCV000127396.7), dbSNP rs587779842, ClinGen allele CA286864.

ClinVar aggregate classification (germline): Uncertain significance. Review status: criteria provided, multiple submitters, no conflicts (2 of 4 stars). 2 submissions from 2 submitters: Uncertain significance (2). Last evaluated 2025-02-18.

Conditions:
Ataxia-telangiectasia syndrome (AT). Also called: LOUIS-BAR SYNDROME; Cerebello-oculocutaneous telangiectasia; Immunodeficiency with ataxia telangiectasia; ATAXIA-TELANGIECTASIA, COMPLEMENTATION GROUP A; ATAXIA-TELANGIECTASIA, FRESNO VARIANT; Ataxia-telangiectasia. Identifiers: Orphanet 100, MedGen C0004135, MONDO:0008840, OMIM 208900.

gnomAD v4.1: 1 of 1,550,818 alleles (0.000064%); highest among the groups gnomAD compares: African/African-American, 0.0014%; no homozygotes.

Submissions (2):

Labcorp Genetics (formerly Invitae), Labcorp
Classification: Uncertain significance for Ataxia-telangiectasia syndrome. Last evaluated: 2025-02-18. Review status: criteria provided, single submitter. Criteria: Invitae Variant Classification Sherloc (09022015). Collection method: clinical testing. Allele origin: germline.
Comment: This sequence change replaces glutamic acid, which is acidic and polar, with aspartic acid, which is acidic and polar, at codon 166 of the ATM protein (p.Glu166Asp). This variant is not present in population databases (gnomAD no frequency). This variant has not been reported in the literature in individuals affected with ATM-related conditions. ClinVar contains an entry for this variant (Variation ID: 127396). An algorithm developed to predict the effect of missense changes on protein structure and function (PolyPhen-2) suggests that this variant is likely to be tolerated. In summary, the available evidence is currently insufficient to determine the role of this variant in disease. Therefore, it has been classified as a Variant of Uncertain Significance.

GeneDx
Classification: Uncertain significance. Last evaluated: 2013-11-05. Review status: criteria provided, single submitter. Criteria: GeneDx Variant Classification (06012015). Collection method: clinical testing. Allele origin: germline. Affected: yes.
Comment: This variant, in exon 6 of the ATM gene, is denoted c.498A>C at the cDNA level and p.Glu166Asp (E166D) at the protein level. This amino acid substitution results in the conservative replacement of an uncharged Glutamic Acid residue (GAA) with an uncharged Aspartic Acid residue (GAC) at a position that is conserved throughout evolution. ATM Glu166Asp variant is not located within a known functional domain. In silico analyses predict this variant to have a benign effect on protein structure and function. ATM Glu166Asp has not been published in the literature as a mutation nor has it been reported as a benign polymorphism, to our knowledge. The NHLBI ESP Exome Variant Server reports ATM Glu166Asp was not observed in approximately 6,500 samples from individuals of European and African American backgrounds, indicating it is not a common benign variant in these populations. Therefore, there is not enough information currently available to determine whether ATM Glu166Asp is a pathogenic mutation or a rare benign variant. The variant is found in HEREDICANCER panel(s).